The following is an entry in ClinVar:

NM_020975.6(RET):c.3337G>A (p.Asp1113Asn)

Gene: RET (ret proto-oncogene; plus strand). Cytogenetic location: 10q11.21.
Variant type: single nucleotide variant.
Coding change: c.3337G>A on transcript NM_020975.6 (MANE Select); coding-DNA position 3337, G replaced by A.
Protein change: p.Asp1113Asn; replaces aspartic acid 1113 with asparagine.
Molecular consequence: missense variant.
Genome position (GRCh38, 1-based): chr10:43,128,261, G>A. VCF-style: chr10-43128261-G-A. GRCh37 (hg19) VCF-style: chr10-43623709-G-A.
Other names: short protein forms D1113N.
Identifiers: ClinVar variation 1019577 (VCV001019577.11), dbSNP rs1838378725, ClinGen allele CA376559374.

ClinVar aggregate classification (germline): Uncertain significance. Review status: criteria provided, multiple submitters, no conflicts (2 of 4 stars). 2 submissions from 2 submitters: Uncertain significance (2). Last evaluated 2024-03-19.

Conditions:
Hereditary cancer-predisposing syndrome. Also called: Tumor predisposition; Neoplastic Syndromes, Hereditary; Hereditary neoplastic syndrome; Hereditary Cancer Syndrome. Identifiers: Orphanet 140162, MedGen C0027672, MeSH D009386, MONDO:0015356.
Multiple endocrine neoplasia, type 2 (MEN2). Identifiers: Orphanet 653, MedGen C4048306, MONDO:0019003. Disease mechanism: gain of function.

Allele frequency attached by ClinVar (database versions not stated): gnomAD exomes below 0.00001.
gnomAD v4.1: 1 of 1,614,196 alleles (0.000062%); highest among the groups gnomAD compares: Non-Finnish European, 0.000085%; no homozygotes.

Submissions (2):

Labcorp Genetics (formerly Invitae), Labcorp
Classification: Uncertain significance for Multiple endocrine neoplasia, type 2. Last evaluated: 2024-03-19. Review status: criteria provided, single submitter. Criteria: Invitae Variant Classification Sherloc (09022015). Collection method: clinical testing. Allele origin: germline.
Comment: This sequence change replaces aspartic acid, which is acidic and polar, with asparagine, which is neutral and polar, at codon 1113 of the RET protein (p.Asp1113Asn). This variant is not present in population databases (gnomAD no frequency). This variant has not been reported in the literature in individuals affected with RET-related conditions. ClinVar contains an entry for this variant (Variation ID: 1019577). Algorithms developed to predict the effect of missense changes on protein structure and function output the following: SIFT: "Not Available"; PolyPhen-2: "Benign"; Align-GVGD: "Not Available". The asparagine amino acid residue is found in multiple mammalian species, which suggests that this missense change does not adversely affect protein function. In summary, the available evidence is currently insufficient to determine the role of this variant in disease. Therefore, it has been classified as a Variant of Uncertain Significance.

Ambry Genetics
Classification: Uncertain significance for Hereditary cancer-predisposing syndrome. Last evaluated: 2020-08-19. Review status: criteria provided, single submitter. Criteria: Ambry Variant Classification Scheme 2023. Collection method: clinical testing. Allele origin: germline.
Comment: The p.D1113N variant (also known as c.3337G>A), located in coding exon 20 of the RET gene, results from a G to A substitution at nucleotide position 3337. The aspartic acid at codon 1113 is replaced by asparagine, an amino acid with highly similar properties. This amino acid position is well conserved in available vertebrate species. In addition, this alteration is predicted to be tolerated by in silico analysis. Since supporting evidence is limited at this time, the clinical significance of this alteration remains unclear.